The following is an entry in ClinVar:

ClinVar aggregate classification (germline): Pathogenic/Likely pathogenic. Review status: criteria provided, multiple submitters, no conflicts (2 of 4 stars). 4 submissions from 4 submitters: Pathogenic (3); Likely pathogenic (1). Last evaluated 2026-04-16.

Conditions:
Cardiovascular phenotype. Identifiers: MedGen CN230736.
Ehlers-Danlos syndrome due to tenascin-X deficiency (EDSCLL1). Also called: EHLERS-DANLOS SYNDROME, CLASSIC-LIKE; Ehlers-Danlos syndrome, classic-like, 1; TNXB-Related Classical-Like Ehlers-Danlos Syndrome; EDS DUE TO TNX DEFICIENCY; TNX DEFICIENCY. Identifiers: Orphanet 230839, MedGen C1848029, MONDO:0011670, OMIM 606408.
Vesicoureteral reflux 8 (VUR8). Identifiers: Orphanet 289365, MedGen C4014831, MONDO:0014422, OMIM 615963.

Submissions (4):

Ambry Genetics
Classification: Pathogenic for Cardiovascular phenotype. Last evaluated: 2026-04-16. Review status: criteria provided, single submitter. Criteria: Ambry Variant Classification Scheme 2023. Collection method: clinical testing. Allele origin: germline.
Comment: The c.3763dupC pathogenic mutation, located in coding exon 9 of the TNXB gene, results from a duplication of C at nucleotide position 3763, causing a translational frameshift with a predicted alternate stop codon (p.R1255Pfs*3). This alteration is expected to result in loss of function by premature protein truncation or nonsense-mediated mRNA decay. As such, this alteration is interpreted as a disease-causing mutation.

Myriad Genetics, Inc.
Classification: Pathogenic for Ehlers-Danlos syndrome due to tenascin-X deficiency. Last evaluated: 2025-08-22. Review status: criteria provided, single submitter. Criteria: Myriad Autosomal Dominant, Autosomal Recessive and X-Linked Classification Criteria (2023). Collection method: clinical testing. Allele origin: unknown.
Comment: NM_019105.6(TNXB):c.3763dupC(R1255Pfs*3) is a frameshift variant classified as pathogenic in the context of classical-like Ehlers-Danlos syndrome, TNXB-related. R1255Pfs*3 has been observed in a case with relevant disease (PMID: 32572181). Relevant functional assessments of this variant are not available in the literature. R1255Pfs*3 has been observed in referenced population frequency databases. In summary, NM_019105.6(TNXB):c.3763dupC(R1255Pfs*3) is a frameshift variant in a gene where loss of function is a known mechanism of disease, is predicted to disrupt protein function, and has been observed more frequently in cases with the relevant disease than in healthy populations. Please note: this variant was assessed in the context of healthy population screening.

Revvity Omics, Revvity
Classification: Likely pathogenic for Vesicoureteral reflux 8. Last evaluated: 2022-05-31. Review status: criteria provided, single submitter. Criteria: ACMG Guidelines, 2015. Collection method: clinical testing. Allele origin: germline.

Victorian Clinical Genetics Services, Murdoch Childrens Research Institute
Classification: Pathogenic for Ehlers-Danlos syndrome due to tenascin-X deficiency. Last evaluated: 2021-05-06. Review status: criteria provided, single submitter. Criteria: ACMG Guidelines, 2015. Collection method: clinical testing. Allele origin: germline. Inheritance: Autosomal recessive inheritance.
Comment: Based on the classification scheme VCGS_Germline_v1.3.4, this variant is classified as Pathogenic. Following criteria are met: 0102 - Loss of function is a known mechanism of disease in this gene and is associated with classic-like type 1 Ehlers-Danlos syndrome (MIM#606408). (I) 0106 - This gene is associated with autosomal recessive disease. (I) 0201 - Variant is predicted to cause nonsense-mediated decay (NMD) and loss of protein (premature termination codon is located at least 54 nucleotides upstream of the final exon-exon junction). (SP) 0252 - This variant is homozygous. (I) 0304 - Variant is present in gnomAD (v2) <0.01 for a recessive condition (12 heterozygotes, 0 homozygotes). (SP) 0702 - Other NMD-predicted variants comparable to the one identified in this case have strong previous evidence for pathogenicity. Biallelic loss of function variants have previously been reported as pathogenic in multiple individuals with classic-like type 1 Ehlers-Danlos syndrome (MIM#606408) (ClinVar). (SP) 0807 - This variant has no previous evidence of pathogenicity. (I) 0905 - No published segregation evidence has been identified for this variant. (I) 1007 - No published functional evidence has been identified for this variant. (I) 1102 - Strong phenotype match for this individual. (SP) 1208 - Inheritance information for this variant is not currently available in this individual. (I) Legend: (SP) - Supporting pathogenic, (I) - Information, (SB) - Supporting benign

Literature cited by the submitters: PubMed 32572181 (cited by Myriad Genetics, Inc.).

NM_001365276.2(TNXB):c.3763dup (p.Arg1255fs)

Gene: TNXB (tenascin XB; minus strand). Cytogenetic location: 6p21.33.
Variant type: Duplication.
Coding change: c.3763dup on transcript NM_001365276.2 (MANE Select); coding-DNA position 3763, one base duplicated (C; older notation c.3763dupC).
Protein change: p.Arg1255fs; shifts the reading frame from arginine 1255.
Molecular consequence: frameshift variant.
Genome position (GRCh38, 1-based): chr6:32,081,647, G duplicated on the plus strand (C on the coding strand, the reverse complement: TNXB is on the minus strand); the first of 7 consecutive G bases (chr6:32,081,647-32,081,653); duplicating any one gives the same sequence. VCF-style (leftmost placement, unchanged base first): chr6-32081646-C-CG. GRCh37 (hg19) VCF-style: chr6-32049423-C-CG.
Other names: c.3763dupC (NM_001365276.2, NM_019105.6); c.3763dup, p.Arg1255fs (NM_019105.8); short protein forms R1255fs.
Identifiers: ClinVar variation 1805011 (VCV001805011.8), dbSNP rs765028734, ClinGen allele CA3735106.
Genomic context (GRCh38, chr6:32,081,646, plus strand): 5'-TCTGGGGTCACGCCGGTCACTGTCAGTTCCCCCAGGAGGGGCTGCTCCAGGAACTCAGGG[C>CG]GGGGGGGCTCCTCTTTCCTCTCTGGAGCTGTAAACAAGGAGATCCAGCCAGGTGCTGAAC-3'